The following is an entry in ClinVar:

NM_003673.4(TCAP):c.166C>T (p.Gln56Ter)

Gene: TCAP (titin-cap; plus strand). Cytogenetic location: 17q12.
Variant type: single nucleotide variant.
Coding change: c.166C>T on transcript NM_003673.4 (MANE Select); coding-DNA position 166, C replaced by T.
Protein change: p.Gln56Ter; replaces glutamine 56 with a stop codon.
Molecular consequence: nonsense.
Genome position (GRCh38, 1-based): chr17:39,665,771, C>T. VCF-style: chr17-39665771-C-T. GRCh37 (hg19) VCF-style: chr17-37822024-C-T.
Other names: short protein forms Q56*.
Identifiers: ClinVar variation 1382475 (VCV001382475.6), dbSNP rs1435437660, ClinGen allele CA399303846.

ClinVar aggregate classification (germline): Pathogenic (1 of 4 stars; one submission).

Conditions:
Primary familial hypertrophic cardiomyopathy (HCM). Identifiers: Orphanet 99739, MedGen C0949658, MeSH D024741, MONDO:0024573. Inheritance: Various modes of inheritance.
Hypertrophic cardiomyopathy 25 (CMH25). Also called: CARDIOMYOPATHY, FAMILIAL HYPERTROPHIC, 25. Identifiers: MedGen C4225408, MONDO:0011843, OMIM 607487.

Allele frequency attached by ClinVar (database versions not stated): gnomAD exomes below 0.00001.
gnomAD v4.1: 2 of 1,609,894 alleles (0.00012%); highest among the groups gnomAD compares: Non-Finnish European, 0.00017%; no homozygotes.

Submission:

Labcorp Genetics (formerly Invitae), Labcorp
Classification: Pathogenic for Hypertrophic cardiomyopathy 25; Primary familial hypertrophic cardiomyopathy. Last evaluated: 2021-11-12. Review status: criteria provided, single submitter. Criteria: Invitae Variant Classification Sherloc (09022015). Collection method: clinical testing. Allele origin: germline.
Comment: For these reasons, this variant has been classified as Pathogenic. This variant disrupts a region of the TCAP protein in which other variant(s) (p.Cys57*) have been determined to be pathogenic (Invitae). This suggests that this is a clinically significant region of the protein, and that variants that disrupt it are likely to be disease-causing. This variant has not been reported in the literature in individuals affected with TCAP-related conditions. This variant is not present in population databases (gnomAD no frequency). This sequence change creates a premature translational stop signal (p.Gln56*) in the TCAP gene. While this is not anticipated to result in nonsense mediated decay, it is expected to disrupt the last 112 amino acid(s) of the TCAP protein.